The following is an entry in ClinVar:

ClinVar aggregate classification (germline): Uncertain significance. Review status: criteria provided, multiple submitters, no conflicts (2 of 4 stars). 4 submissions from 4 submitters: Uncertain significance (3). 1 of the submissions does not count toward it. Last evaluated 2025-10-28.

Conditions:
Inborn genetic diseases. Identifiers: MedGen C0950123, MeSH D030342.
Hereditary spastic paraplegia 49 (HSAN9). Also called: NEUROPATHY, HEREDITARY SENSORY AND AUTONOMIC, TYPE IX, WITH DEVELOPMENTAL DELAY; Spastic paraplegia 49, autosomal recessive; TECPR2-Related Hereditary Sensory and Autonomic Neuropathy with Intellectual Disability. Identifiers: Orphanet 320385, MedGen C5190860, MONDO:0014016, OMIM 615031.

Allele frequency attached by ClinVar (database versions not stated): ExAC 0.00002; gnomAD exomes 0.00002; TOPMed 0.00002; gnomAD 0.00003.
gnomAD v4.1: 32 of 1,614,048 alleles (0.002%); highest among the groups gnomAD compares: East Asian, 0.0045%; no homozygotes.

Submissions (4):

Myriad Genetics, Inc.
Classification: Uncertain significance for Hereditary spastic paraplegia 49. Last evaluated: 2025-10-28. Review status: criteria provided, single submitter. Criteria: Myriad Autosomal Dominant, Autosomal Recessive and X-Linked Classification Criteria (2023). Collection method: clinical testing. Allele origin: unknown.
Comment: NM_014844.3(TECPR2):c.95G>A(R32H) is a missense variant classified as a variant of uncertain significance in the context of spastic paraplegia, TECPR2-related. R32H has not been observed in cases with relevant disease. Relevant functional assessments of this variant are not available in the literature. R32H has been observed in referenced population frequency databases. In summary, there is insufficient evidence to classify NM_014844.3(TECPR2):c.95G>A(R32H) as pathogenic or benign. Please note: this variant was assessed in the context of healthy population screening.

Ambry Genetics
Classification: Uncertain significance for Inborn genetic diseases. Last evaluated: 2023-12-26. Review status: criteria provided, single submitter. Criteria: Ambry Variant Classification Scheme 2023. Collection method: clinical testing. Allele origin: germline.

Labcorp Genetics (formerly Invitae), Labcorp
Classification: Uncertain significance for Hereditary spastic paraplegia 49. Last evaluated: 2022-06-04. Review status: criteria provided, single submitter. Criteria: Invitae Variant Classification Sherloc (09022015). Collection method: clinical testing. Allele origin: germline.
Comment: This sequence change replaces arginine, which is basic and polar, with histidine, which is basic and polar, at codon 32 of the TECPR2 protein (p.Arg32His). This variant is present in population databases (rs767622790, gnomAD 0.003%). This variant has not been reported in the literature in individuals affected with TECPR2-related conditions. ClinVar contains an entry for this variant (Variation ID: 540298). Algorithms developed to predict the effect of missense changes on protein structure and function are either unavailable or do not agree on the potential impact of this missense change (SIFT: "Deleterious"; PolyPhen-2: "Probably Damaging"; Align-GVGD: "Class C0"). In summary, the available evidence is currently insufficient to determine the role of this variant in disease. Therefore, it has been classified as a Variant of Uncertain Significance.

Natera, Inc.
Classification: Uncertain significance for Autosomal recessive spastic paraplegia type 49. Last evaluated: 2019-11-11. Review status: no assertion criteria provided. Collection method: clinical testing. Allele origin: germline. Not counted in ClinVar's aggregate classification.

NM_014844.5(TECPR2):c.95G>A (p.Arg32His)

Gene: TECPR2 (tectonin beta-propeller repeat containing 2; plus strand). Cytogenetic location: 14q32.31.
Variant type: single nucleotide variant.
Coding change: c.95G>A on transcript NM_014844.5 (MANE Select); coding-DNA position 95, G replaced by A.
Protein change: p.Arg32His; replaces arginine 32 with histidine.
Molecular consequence: missense variant.
Genome position (GRCh38, 1-based): chr14:102,376,816, G>A. VCF-style: chr14-102376816-G-A. GRCh37 (hg19) VCF-style: chr14-102843153-G-A.
Other names: c.95G>A, p.Arg32His (NM_001172631.3); short protein forms R32H.
Identifiers: ClinVar variation 540298 (VCV000540298.9), dbSNP rs767622790, ClinGen allele CA7357330.